The following is an entry in ClinVar:

NM_000384.3(APOB):c.243G>C (p.Glu81Asp)

Gene: APOB (apolipoprotein B; minus strand). Cytogenetic location: 2p24.1.
Variant type: single nucleotide variant.
Coding change: c.243G>C on transcript NM_000384.3 (MANE Select); coding-DNA position 243, G replaced by C.
Protein change: p.Glu81Asp; replaces glutamic acid 81 with aspartic acid.
Molecular consequence: missense variant.
Genome position (GRCh38, 1-based): chr2:21,041,078, C>G on the plus strand (G>C on the coding strand, the complement: APOB is on the minus strand). VCF-style: chr2-21041078-C-G. GRCh37 (hg19) VCF-style: chr2-21263950-C-G.
Other names: short protein forms E81D.
Identifiers: ClinVar variation 3771832 (VCV003771832.13).
Genomic context (GRCh38, chr2:21,041,078, plus strand): 5'-CTCTTTCAGGGTGCACTGGCTGGTCTTCAGGATGAAGCTGCAGAGCTGGGGAACCTCCAG[C>G]TCAACCTGAGAATTCAGGGTAGCAGAGCATTGAGGTTGTCTATCAAGAATGAGAGGTGGC-3'
Protein context (NP_000375.3, residues 71-91): RSATRINCKV[Glu81Asp]LEVPQLCSFI

ClinVar aggregate classification (germline): Uncertain significance (1 of 4 stars; one submission).

gnomAD v4.1: 1 of 1,611,834 alleles (0.000062%); highest among the groups gnomAD compares: Non-Finnish European, 0.000085%; no homozygotes.

Submission:

CeGaT Center for Human Genetics Tuebingen
Classification: Uncertain significance. Last evaluated: 2025-01-01. Review status: criteria provided, single submitter. Criteria: CeGaT Center For Human Genetics Tuebingen Variant Classification Criteria Version 2. Collection method: clinical testing. Allele origin: germline. Affected: yes. Observed: 1 variant allele.
Comment: APOB: PM2, BP4